The following is an entry in ClinVar:

ClinVar aggregate classification (germline): Likely benign (0 of 4 stars; one submission).

Conditions:
LHX1-related disorder. Also called: LHX1-related condition.

Allele frequency attached by ClinVar (database versions not stated): ESP Exome Variant Server 0.00008.
gnomAD v4.1: 7 of 1,610,872 alleles (0.00043%); highest among the groups gnomAD compares: Non-Finnish European, 0.00059%; no homozygotes.

Submission:

PreventionGenetics, part of Exact Sciences
Classification: Likely benign for LHX1-related condition. Last evaluated: 2019-03-01. Review status: no assertion criteria provided. Collection method: clinical testing. Allele origin: germline.
Comment: This variant is classified as likely benign based on ACMG/AMP sequence variant interpretation guidelines (Richards et al. 2015 PMID: 25741868, with internal and published modifications).

NM_005568.5(LHX1):c.1188C>T (p.His396=)

Gene: LHX1 (LIM homeobox 1; plus strand). Cytogenetic location: 17q12.
Variant type: single nucleotide variant.
Coding change: c.1188C>T on transcript NM_005568.5 (MANE Select); coding-DNA position 1188, C replaced by T.
Protein change: p.His396=; no amino-acid change (histidine 396 retained).
Molecular consequence: synonymous variant.
Genome position (GRCh38, 1-based): chr17:36,943,098, C>T. VCF-style: chr17-36943098-C-T. GRCh37 (hg19) VCF-style: chr17-35300395-C-T.
Identifiers: ClinVar variation 3046967 (VCV003046967.2), dbSNP rs376578880, ClinGen allele CA290151145.